The following is an entry in ClinVar:

ClinVar aggregate classification (germline): Pathogenic (1 of 4 stars; one submission).

Submission:

GeneDx
Classification: Pathogenic. Last evaluated: 2022-07-22. Review status: criteria provided, single submitter. Criteria: GeneDx Variant Classification Process June 2021. Collection method: clinical testing. Allele origin: germline. Affected: yes.
Comment: Frameshift variant predicted to result in protein truncation or nonsense mediated decay in a gene for which loss of function is a known mechanism of disease; Not observed at significant frequency in large population cohorts (gnomAD); This variant is associated with the following publications: (PMID: 31727138)

NM_001204.7(BMPR2):c.862dup (p.Cys288fs)

Gene: BMPR2 (bone morphogenetic protein receptor type 2; plus strand). Cytogenetic location: 2q33.2.
Variant type: Duplication.
Coding change: c.862dup on transcript NM_001204.7 (MANE Select); coding-DNA position 862, one base duplicated (T; older notation c.862dupT).
Protein change: p.Cys288fs; shifts the reading frame from cysteine 288.
Molecular consequence: frameshift variant.
Genome position (GRCh38, 1-based): chr2:202,520,096, T duplicated. VCF-style (leftmost placement, unchanged base first): chr2-202520095-A-AT. GRCh37 (hg19) VCF-style: chr2-203384818-A-AT.
Other names: short protein forms C288fs.
Identifiers: ClinVar variation 2136061 (VCV002136061.1), dbSNP rs2469740327, ClinGen allele CA2580065456.